The following is an entry in ClinVar:

ClinVar aggregate classification (germline): Uncertain significance (1 of 4 stars; one submission).

Conditions:
Hereditary cancer-predisposing syndrome. Also called: Tumor predisposition; Hereditary Cancer Syndrome; Neoplastic Syndromes, Hereditary; Hereditary neoplastic syndrome. Identifiers: Orphanet 140162, MedGen C0027672, MeSH D009386, MONDO:0015356.

Submission:

Ambry Genetics
Classification: Uncertain significance for Hereditary cancer-predisposing syndrome. Last evaluated: 2020-11-25. Review status: criteria provided, single submitter. Criteria: Ambry Variant Classification Scheme 2023. Collection method: clinical testing. Allele origin: germline.
Comment: The p.M849I variant (also known as c.2547G>A), located in coding exon 17 of the CTNNA1 gene, results from a G to A substitution at nucleotide position 2547. The methionine at codon 849 is replaced by isoleucine, an amino acid with highly similar properties. This amino acid position is highly conserved in available vertebrate species. In addition, this alteration is predicted to be tolerated by in silico analysis. Since supporting evidence is limited at this time, the clinical significance of this alteration remains unclear.

NM_001903.5(CTNNA1):c.2547G>A (p.Met849Ile)

Gene: CTNNA1 (catenin alpha 1; plus strand). Cytogenetic location: 5q31.2.
Variant type: single nucleotide variant.
Coding change: c.2547G>A on transcript NM_001903.5 (MANE Select); coding-DNA position 2547, G replaced by A.
Protein change: p.Met849Ile; replaces methionine 849 with isoleucine.
Molecular consequence: missense variant. On other transcripts: 3 prime UTR variant (5).
Genome position (GRCh38, 1-based): chr5:138,933,915, G>A. VCF-style: chr5-138933915-G-A. GRCh37 (hg19) VCF-style: chr5-138269604-G-A.
Other names: c.*92G>A (NM_001290307.3, NM_001324002.1, NM_001324003.1 and 2 more transcripts); c.2238G>A, p.Met746Ile (NM_001290309.3); c.2178G>A, p.Met726Ile (NM_001290310.3); c.1437G>A, p.Met479Ile (NM_001290312.1, NM_001323987.1, NM_001323988.1 and 12 more transcripts); c.2547G>A, p.Met849Ile (NM_001323982.2, NM_001323983.1, NM_001323984.2); c.2520G>A, p.Met840Ile (NM_001323985.2); c.2454G>A, p.Met818Ile (NM_001323986.2); c.1302G>A, p.Met434Ile (NM_001324001.1); and 3 more; short protein forms M479I, M849I, M398I, M434I, M726I, M366I, M448I, M840I.
Identifiers: ClinVar variation 1792896 (VCV001792896.2), dbSNP rs2533951242, ClinGen allele CA361135440.
Genomic context (GRCh38, chr5:138,933,915, plus strand): 5'-GGTGCAGACAGTGAAGGCATCCTACGTCGCCTCTACCAAATACCAAAAGTCACAGGGTAT[G>A]GCTTCCCTCAACCTTCCTGCTGTGTCATGGAAGATGAAGGCACCAGAGAAAAAGCCATTG-3'
Protein context (NP_001894.2, residues 839-859): ASTKYQKSQG[Met849Ile]ASLNLPAVSW